The following is an entry in ClinVar:

NM_004736.4(XPR1):c.230T>C (p.Leu77Pro)

Gene: XPR1 (xenotropic and polytropic retrovirus receptor 1; plus strand). Cytogenetic location: 1q25.3.
Variant type: single nucleotide variant.
Coding change: c.230T>C on transcript NM_004736.4 (MANE Select); coding-DNA position 230, T replaced by C.
Protein change: p.Leu77Pro; replaces leucine 77 with proline.
Molecular consequence: missense variant. On other transcripts: non-coding transcript variant (1).
Genome position (GRCh38, 1-based): chr1:180,803,394, T>C. VCF-style: chr1-180803394-T-C. GRCh37 (hg19) VCF-style: chr1-180772530-T-C.
Other names: c.230T>C, p.Leu77Pro (NM_001135669.2, NM_001328662.2); short protein forms L77P.
Identifiers: ClinVar variation 3360234 (VCV003360234.1).
Genomic context (GRCh38, chr1:180,803,394, plus strand): 5'-CAGTAGGAACTTTTTTATCTTACTGATTTGACAGTTCCGTTCTATTTCTTATAGAGAAGC[T>C]CGCAGAGGCTCAGCGCAGGTTTGCTACACTTCAGAATGAGCTTCAGTCATCACTGGATGC-3'
Protein context (NP_004727.2, residues 67-87): AKINTFYSEK[Leu77Pro]AEAQRRFATL

ClinVar aggregate classification (germline): Uncertain significance (1 of 4 stars; one submission).

Submission:

GeneDx
Classification: Uncertain significance. Last evaluated: 2023-06-23. Review status: criteria provided, single submitter. Criteria: GeneDx Variant Classification Process June 2021. Collection method: clinical testing. Allele origin: germline. Affected: yes.
Comment: Not observed at significant frequency in large population cohorts (gnomAD); In silico analysis supports that this missense variant has a deleterious effect on protein structure/function; Has not been previously published as pathogenic or benign to our knowledge